The following is an entry in ClinVar:

ClinVar aggregate classification (germline): Uncertain significance (1 of 4 stars; one submission).

Submission:

Labcorp Genetics (formerly Invitae), Labcorp
Classification: Uncertain significance. Last evaluated: 2025-06-12. Review status: criteria provided, single submitter. Criteria: Invitae Variant Classification Sherloc (09022015). Collection method: clinical testing. Allele origin: germline.
Comment: This sequence change creates a premature translational stop signal (p.Tyr55*) in the TUBB1 gene. It is expected to result in an absent or disrupted protein product. However, the current clinical and genetic evidence is not sufficient to establish whether loss-of-function variants in TUBB1 cause disease. This variant is present in population databases (rs761692558, gnomAD 0.006%). This variant has not been reported in the literature in individuals affected with TUBB1-related conditions. ClinVar contains an entry for this variant (Variation ID: 2905753). In summary, the available evidence is currently insufficient to determine the role of this variant in disease. Therefore, it has been classified as a Variant of Uncertain Significance.

NM_030773.4(TUBB1):c.165C>A (p.Tyr55Ter)

Gene: TUBB1 (tubulin beta 1 class VI; plus strand). Cytogenetic location: 20q13.32.
Variant type: single nucleotide variant.
Coding change: c.165C>A on transcript NM_030773.4 (MANE Select); coding-DNA position 165, C replaced by A.
Protein change: p.Tyr55Ter; replaces tyrosine 55 with a stop codon.
Molecular consequence: nonsense.
Genome position (GRCh38, 1-based): chr20:59,022,952, C>A. VCF-style: chr20-59022952-C-A. GRCh37 (hg19) VCF-style: chr20-57598007-C-A.
Other names: short protein forms Y55*.
Identifiers: ClinVar variation 2905753 (VCV002905753.3), dbSNP rs761692558, ClinGen allele CA9928384.